The following is an entry in ClinVar:

ClinVar aggregate classification (germline): Likely benign (0 of 4 stars; one submission).

Conditions:
DAB1-related disorder. Also called: DAB1-related condition.

Allele frequency attached by ClinVar (database versions not stated): ExAC 0.00003; gnomAD 0.00006; gnomAD exomes 0.00006; TOPMed 0.00006.
gnomAD v4.1: 98 of 1,613,868 alleles (0.0061%); highest among the groups gnomAD compares: Non-Finnish European, 0.0079%; no homozygotes.

Submission:

PreventionGenetics, part of Exact Sciences
Classification: Likely benign for DAB1-related condition. Last evaluated: 2019-03-25. Review status: no assertion criteria provided. Collection method: clinical testing. Allele origin: germline.
Comment: This variant is classified as likely benign based on ACMG/AMP sequence variant interpretation guidelines (Richards et al. 2015 PMID: 25741868, with internal and published modifications).

NM_001365792.1(DAB1):c.669C>T (p.Pro223=)

Gene: DAB1 (DAB adaptor protein 1; minus strand). Cytogenetic location: 1p32.2.
Variant type: single nucleotide variant.
Coding change: c.669C>T on transcript NM_001365792.1 (MANE Select); coding-DNA position 669, C replaced by T.
Protein change: p.Pro223=; no amino-acid change (proline 223 retained).
Molecular consequence: synonymous variant.
Genome position (GRCh38, 1-based): chr1:57,062,938, G>A on the plus strand (C>T on the coding strand, the complement: DAB1 is on the minus strand). VCF-style: chr1-57062938-G-A. GRCh37 (hg19) VCF-style: chr1-57528611-G-A.
Other names: c.669C>T, p.Pro223= (NM_001353983.2, NM_001353985.2, NM_001353986.2 and 5 more transcripts).
Identifiers: ClinVar variation 3058144 (VCV003058144.2), dbSNP rs778399446, ClinGen allele CA876476.